The following is an entry in ClinVar:

NM_000321.3(RB1):c.200dup (p.Asp68fs)

Gene: RB1 (RB transcriptional corepressor 1; plus strand). Cytogenetic location: 13q14.2.
Variant type: Duplication.
Coding change: c.200dup on transcript NM_000321.3 (MANE Select); coding-DNA position 200, one base duplicated (C; older notation c.200dupC).
Protein change: p.Asp68fs; shifts the reading frame from aspartic acid 68.
Molecular consequence: frameshift variant.
Genome position (GRCh38, 1-based): chr13:48,307,342, C duplicated; the last of 2 consecutive C bases (chr13:48,307,341-48,307,342); duplicating either gives the same sequence. VCF-style (leftmost placement, unchanged base first): chr13-48307340-A-AC. GRCh37 (hg19) VCF-style: chr13-48881476-A-AC.
Other names: c.200dup, p.Asp68fs (NM_001407165.1, NM_001407166.1, NM_001407167.1); short protein forms D68fs.
Identifiers: ClinVar variation 3891302 (VCV003891302.1).
Genomic context (GRCh38, chr13:48,307,340, plus strand): 5'-GCTTGAGTTTGAAGAAACAGAAGAACCTGATTTTACTGCATTATGTCAGAAATTAAAGAT[A>AC]CCAGATCATGTCAGAGAGAGAGCTTGGTTAACTTGGGAGAAAGTTTCATCTGTGGATGGA-3'

ClinVar aggregate classification (germline): Pathogenic (1 of 4 stars; one submission).

Conditions:
Hereditary cancer-predisposing syndrome. Also called: Tumor predisposition; Neoplastic Syndromes, Hereditary; Hereditary Cancer Syndrome; Hereditary neoplastic syndrome. Identifiers: Orphanet 140162, MedGen C0027672, MeSH D009386, MONDO:0015356.

Submission:

Molecular Diagnostics Laboratory, Catalan Institute of Oncology
Classification: Pathogenic for Hereditary cancer-predisposing syndrome. Last evaluated: 2024-10-08. Review status: criteria provided, single submitter. Criteria: ACMG Guidelines, 2015. Collection method: clinical testing. Allele origin: germline.
Comment: PVS1, PM2_Supporting, PP4 c.200dup, located in exon 2 of the RB1 gene, is expected to result in loss of function by premature protein truncation and nonsense-mediated mRNA decay (PVS1), p.(Asp68Argfs*42). The SpliceAI algorithm predicts no significant impact on splicing. It is not present in the population database gnomAD v2.1.1, non cancer dataset (PM2_supporting). To our knowledge, neiter clinical data nor functional studies have been performed for this variant. The variant has not been reported nor in the ClinVar nor LOVD databases. Based on currently available information, the variant c.200dup is classified as a pathogenic variant according to ACMG guidelines.